The following is an entry in ClinVar:

NM_003055.3(SLC18A3):c.1153G>A (p.Val385Ile)

Genes: CHAT (choline O-acetyltransferase; plus strand), SLC18A3 (solute carrier family 18 member A3; plus strand). Cytogenetic location: 10q11.23.
Variant type: single nucleotide variant.
Coding change: c.1153G>A on transcript NM_003055.3 (MANE Select); coding-DNA position 1153, G replaced by A.
Protein change: p.Val385Ile; replaces valine 385 with isoleucine.
Molecular consequence: missense variant. On other transcripts: intron variant (1).
Genome position (GRCh38, 1-based): chr10:49,611,893, G>A. VCF-style: chr10-49611893-G-A. GRCh37 (hg19) VCF-style: chr10-50819939-G-A.
Other names: c.-69+2694G>A (NM_020984.4); short protein forms V385I.
Identifiers: ClinVar variation 2024933 (VCV002024933.1), dbSNP rs2496274256, ClinGen allele CA376722151.

ClinVar aggregate classification (germline): Uncertain significance (1 of 4 stars; one submission).

Submission:

Labcorp Genetics (formerly Invitae), Labcorp
Classification: Uncertain significance. Last evaluated: 2022-08-19. Review status: criteria provided, single submitter. Criteria: Invitae Variant Classification Sherloc (09022015). Collection method: clinical testing. Allele origin: germline.
Comment: This sequence change replaces valine, which is neutral and non-polar, with isoleucine, which is neutral and non-polar, at codon 385 of the SLC18A3 protein (p.Val385Ile). This variant is not present in population databases (gnomAD no frequency). This variant has not been reported in the literature in individuals affected with SLC18A3-related conditions. Algorithms developed to predict the effect of missense changes on protein structure and function output the following: SIFT: "Tolerated"; PolyPhen-2: "Benign"; Align-GVGD: "Class C0". The isoleucine amino acid residue is found in multiple mammalian species, which suggests that this missense change does not adversely affect protein function. In summary, the available evidence is currently insufficient to determine the role of this variant in disease. Therefore, it has been classified as a Variant of Uncertain Significance.